The following is an entry in ClinVar:

ClinVar aggregate classification (germline): Pathogenic (1 of 4 stars; one submission).

Conditions:
Familial adenomatous polyposis 1 (FAP1). Also called: POLYPOSIS, ADENOMATOUS INTESTINAL; FAMILIAL ADENOMATOUS POLYPOSIS 1, ATTENUATED. Identifiers: MedGen C2713442, MONDO:0021056, OMIM 175100. Disease mechanism: loss of function.

Submission:

Myriad Genetics, Inc.
Classification: Pathogenic for Familial adenomatous polyposis 1. Last evaluated: 2023-05-12. Review status: criteria provided, single submitter. Criteria: Myriad Autosomal Dominant, Autosomal Recessive and X-Linked Classification Criteria (2023). Collection method: clinical testing. Allele origin: unknown.
Comment: This variant is considered pathogenic. This variant creates a frameshift predicted to result in premature protein truncation.

NM_000038.6(APC):c.5644_5648del (p.Arg1882fs)

Gene: APC (APC regulator of Wnt signaling pathway; plus strand). Cytogenetic location: 5q22.2.
Variant type: Deletion.
Coding change: c.5644_5648del on transcript NM_000038.6 (MANE Select); coding-DNA positions 5644 to 5648, 5 bases deleted (AGAAA; older notation c.5644_5648delAGAAA).
Protein change: p.Arg1882fs; shifts the reading frame from arginine 1882.
Molecular consequence: frameshift variant. On other transcripts: non-coding transcript variant (2).
Genome position (GRCh38, 1-based): chr5:112,841,238-112,841,242, AGAAA deleted; deleting any 5 consecutive bases within chr5:112,841,237-112,841,242 gives the same sequence; the c. name uses the placement nearest the transcript's 3' end. VCF-style (leftmost placement, unchanged base first): chr5-112841236-TAAGAA-T. GRCh37 (hg19) VCF-style: chr5-112176933-TAAGAA-T.
Other names: c.5644_5648del, p.Arg1882fs (NM_001127510.3, NM_001354895.2, NM_001407450.1); c.5590_5594del, p.Arg1864fs (NM_001127511.3); c.5698_5702del, p.Arg1900fs (NM_001354896.2, NM_001407447.1, NM_001407448.1 and 1 more transcripts); c.5674_5678del, p.Arg1892fs (NM_001354897.2); c.5569_5573del, p.Arg1857fs (NM_001354898.2); c.5560_5564del, p.Arg1854fs (NM_001354899.2); c.5521_5525del, p.Arg1841fs (NM_001354900.2); c.5467_5471del, p.Arg1823fs (NM_001354901.2, NM_001407453.1); and 11 more; short protein forms R1498fs, R1599fs, R1722fs, R1753fs, R1756fs, R1781fs, R1791fs, R1799fs.
Identifiers: ClinVar variation 2583456 (VCV002583456.1), dbSNP rs2533657616, ClinGen allele CA2582341462.